The following is an entry in ClinVar:

ClinVar aggregate classification (germline): Conflicting classifications of pathogenicity. Review status: criteria provided, conflicting classifications (1 of 4 stars). 3 submissions from 3 submitters: Uncertain significance (2); Likely benign (1). Last evaluated 2026-05-06.

Conditions:
Inborn genetic diseases. Identifiers: MedGen C0950123, MeSH D030342.
SLC12A2-related disorder. Also called: SLC12A2-related disorders; SLC12A2-related condition.

Allele frequency attached by ClinVar (database versions not stated): ExAC 0.00017; gnomAD 0.00019; TOPMed 0.00019; ESP Exome Variant Server 0.00023; 1000 Genomes Project 0.00040; 1000 Genomes Project 30x 0.00062; gnomAD exomes 0.00003.
gnomAD v4.1: 80 of 1,588,736 alleles (0.005%); highest among the groups gnomAD compares: African/African-American, 0.052%; no homozygotes.

Submissions (3):

PreventionGenetics, part of Exact Sciences
Classification: Uncertain significance for SLC12A2-related condition. Last evaluated: 2026-05-06. Review status: criteria provided, single submitter. Criteria: ACMG Guidelines, 2015. Collection method: clinical testing. Allele origin: germline.
Comment: The SLC12A2 c.391G>A variant is predicted to result in the amino acid substitution p.Gly131Ser. To our knowledge, this variant has not been reported in the literature. This variant is reported in 0.070% of alleles in individuals of African descent in gnomAD. Although we suspect that this variant may be benign, at this time, the clinical significance of this variant is uncertain due to the absence of conclusive functional and genetic evidence.

Labcorp Genetics (formerly Invitae), Labcorp
Classification: Likely benign. Last evaluated: 2026-01-09. Review status: criteria provided, single submitter. Criteria: Invitae Variant Classification Sherloc (09022015). Collection method: clinical testing. Allele origin: germline.

Ambry Genetics
Classification: Uncertain significance for Inborn genetic diseases. Last evaluated: 2025-08-10. Review status: criteria provided, single submitter. Criteria: Ambry Variant Classification Scheme 2023. Collection method: clinical testing. Allele origin: germline.

NM_001046.3(SLC12A2):c.391G>A (p.Gly131Ser)

Gene: SLC12A2 (solute carrier family 12 member 2; plus strand). Cytogenetic location: 5q23.3.
Variant type: single nucleotide variant.
Coding change: c.391G>A on transcript NM_001046.3 (MANE Select); coding-DNA position 391, G replaced by A.
Protein change: p.Gly131Ser; replaces glycine 131 with serine.
Molecular consequence: missense variant. On other transcripts: non-coding transcript variant (1).
Genome position (GRCh38, 1-based): chr5:128,084,345, G>A. VCF-style: chr5-128084345-G-A. GRCh37 (hg19) VCF-style: chr5-127420037-G-A.
Other names: c.391G>A (NM_001046.2); c.391G>A, p.Gly131Ser (NM_001256461.2); short protein forms G131S.
Identifiers: ClinVar variation 2083339 (VCV002083339.6), dbSNP rs146145321, ClinGen allele CA3392785.